The following is an entry in ClinVar:

NM_001042492.3(NF1):c.7003dup (p.Thr2335fs)

Gene: NF1 (neurofibromin 1; plus strand). Cytogenetic location: 17q11.2.
Variant type: Duplication.
Coding change: c.7003dup on transcript NM_001042492.3 (MANE Select); coding-DNA position 7003, one base duplicated (A; older notation c.7003dupA).
Protein change: p.Thr2335fs; shifts the reading frame from threonine 2335.
Molecular consequence: frameshift variant.
Genome position (GRCh38, 1-based): chr17:31,340,586, A duplicated. VCF-style (leftmost placement, unchanged base first): chr17-31340585-T-TA. GRCh37 (hg19) VCF-style: chr17-29667603-T-TA.
Other names: c.6940dup, p.Thr2314Asnfs (NM_000267.4); short protein forms T2335fs, T2314fs.
Identifiers: ClinVar variation 2734139 (VCV002734139.4), dbSNP rs2508770430, ClinGen allele CA2697559656.

ClinVar aggregate classification (germline): Pathogenic. Review status: criteria provided, multiple submitters, no conflicts (2 of 4 stars). 2 submissions from 2 submitters: Pathogenic (2). Last evaluated 2025-11-26.

Conditions:
Neurofibromatosis, type 1 (NF1). Also called: Neurofibromatosis, type I; Peripheral type neurofibromatosis; VON RECKLINGHAUSEN DISEASE; NEUROFIBROMATOSIS, TYPE I, SOMATIC. Identifiers: Orphanet 636, MedGen C0027831, MONDO:0018975, OMIM 162200. Disease mechanism: loss of function.

Submissions (2):

Myriad Genetics, Inc.
Classification: Pathogenic for Neurofibromatosis, type 1. Last evaluated: 2025-11-26. Review status: criteria provided, single submitter. Criteria: Myriad Autosomal Dominant, Autosomal Recessive and X-Linked Classification Criteria (2023). Collection method: clinical testing. Allele origin: unknown.
Comment: This variant is considered pathogenic. This variant creates a frameshift predicted to result in premature protein truncation.

Labcorp Genetics (formerly Invitae), Labcorp
Classification: Pathogenic for Neurofibromatosis, type 1. Last evaluated: 2023-06-30. Review status: criteria provided, single submitter. Criteria: Invitae Variant Classification Sherloc (09022015). Collection method: clinical testing. Allele origin: germline.
Comment: This variant is not present in population databases (gnomAD no frequency). This sequence change creates a premature translational stop signal (p.Thr2314Asnfs*5) in the NF1 gene. It is expected to result in an absent or disrupted protein product. Loss-of-function variants in NF1 are known to be pathogenic (PMID: 10712197, 23913538). This variant has not been reported in the literature in individuals affected with NF1-related conditions. Algorithms developed to predict the effect of sequence changes on RNA splicing suggest that this variant may create or strengthen a splice site. For these reasons, this variant has been classified as Pathogenic.

Literature cited by the submitters: PubMed 10712197 (cited by Labcorp Genetics (formerly Invitae), Labcorp); PubMed 23913538 (cited by Labcorp Genetics (formerly Invitae), Labcorp).